The following is an entry in ClinVar:

ClinVar aggregate classification (germline): Uncertain significance (1 of 4 stars; one submission).

Conditions:
Hereditary cancer-predisposing syndrome. Also called: Hereditary Cancer Syndrome; Hereditary neoplastic syndrome; Neoplastic Syndromes, Hereditary; Tumor predisposition. Identifiers: Orphanet 140162, MedGen C0027672, MeSH D009386, MONDO:0015356.

gnomAD v4.1: 1 of 1,565,544 alleles (0.000064%); highest among the groups gnomAD compares: South Asian, 0.0011%; no homozygotes.

Submission:

Ambry Genetics
Classification: Uncertain significance for Hereditary cancer-predisposing syndrome. Last evaluated: 2021-08-16. Review status: criteria provided, single submitter. Criteria: Ambry Variant Classification Scheme 2023. Collection method: clinical testing. Allele origin: germline.
Comment: The p.C506Y variant (also known as c.1517G>A), located in coding exon 12 of the POT1 gene, results from a G to A substitution at nucleotide position 1517. The cysteine at codon 506 is replaced by tyrosine, an amino acid with highly dissimilar properties. This amino acid position is highly conserved in available vertebrate species. In addition, this alteration is predicted to be deleterious by in silico analysis. Since supporting evidence is limited at this time, the clinical significance of this alteration remains unclear.

NM_015450.3(POT1):c.1517G>A (p.Cys506Tyr)

Gene: POT1 (protection of telomeres 1; minus strand). Cytogenetic location: 7q31.33.
Variant type: single nucleotide variant.
Coding change: c.1517G>A on transcript NM_015450.3 (MANE Select); coding-DNA position 1517, G replaced by A.
Protein change: p.Cys506Tyr; replaces cysteine 506 with tyrosine.
Molecular consequence: missense variant. On other transcripts: non-coding transcript variant (2).
Genome position (GRCh38, 1-based): chr7:124,829,331, C>T on the plus strand (G>A on the coding strand, the complement: POT1 is on the minus strand). VCF-style: chr7-124829331-C-T. GRCh37 (hg19) VCF-style: chr7-124469385-C-T.
Other names: c.1124G>A, p.Cys375Tyr (NM_001042594.2); short protein forms C375Y, C506Y.
Identifiers: ClinVar variation 1774343 (VCV001774343.2), dbSNP rs775694109, ClinGen allele CA369064666.